The following is an entry in ClinVar:

ClinVar aggregate classification (germline): Uncertain significance (1 of 4 stars; one submission).

Allele frequency attached by ClinVar (database versions not stated): TOPMed below 0.00001; ExAC 0.00001; gnomAD exomes below 0.00001.
gnomAD v4.1: 1 of 1,614,184 alleles (0.000062%); highest among the groups gnomAD compares: Non-Finnish European, 0.000085%; no homozygotes.

Submission:

Labcorp Genetics (formerly Invitae), Labcorp
Classification: Uncertain significance. Last evaluated: 2021-05-30. Review status: criteria provided, single submitter. Criteria: Invitae Variant Classification Sherloc (09022015). Collection method: clinical testing. Allele origin: germline.
Comment: This variant is present in population databases (rs754846249, ExAC 0.001%). This sequence change replaces isoleucine with threonine at codon 655 of the MYLK3 protein (p.Ile655Thr). The isoleucine residue is highly conserved and there is a moderate physicochemical difference between isoleucine and threonine. This variant has not been reported in the literature in individuals with MYLK3-related conditions. In summary, the available evidence is currently insufficient to determine the role of this variant in disease. Therefore, it has been classified as a Variant of Uncertain Significance. Algorithms developed to predict the effect of missense changes on protein structure and function are either unavailable or do not agree on the potential impact of this missense change (SIFT: "Tolerated"; PolyPhen-2: "Probably Damaging"; Align-GVGD: "Class C0").

NM_182493.3(MYLK3):c.1964T>C (p.Ile655Thr)

Gene: MYLK3 (myosin light chain kinase 3; minus strand). Cytogenetic location: 16q11.2.
Variant type: single nucleotide variant.
Coding change: c.1964T>C on transcript NM_182493.3 (MANE Select); coding-DNA position 1964, T replaced by C.
Protein change: p.Ile655Thr; replaces isoleucine 655 with threonine.
Molecular consequence: missense variant.
Genome position (GRCh38, 1-based): chr16:46,721,144, A>G on the plus strand (T>C on the coding strand, the complement: MYLK3 is on the minus strand). VCF-style: chr16-46721144-A-G. GRCh37 (hg19) VCF-style: chr16-46755056-A-G.
Other names: c.941T>C, p.Ile314Thr (NM_001308301.1); short protein forms I655T, I314T.
Identifiers: ClinVar variation 1398122 (VCV001398122.8), dbSNP rs754846249, ClinGen allele CA8037780.
Genomic context (GRCh38, chr16:46,721,144, plus strand): 5'-AAGGAATTTTGTTAAGGTATCTAAATAAAACCCCCTTACCTTCTGGCCAGCCCAAAGTCA[A>G]TGATCTTAATTTGATGTCCTGTCTGATTGACGCACAATATGTTCTCCGGCTGGGAAAGAA-3'
Protein context (NP_872299.2, residues 645-665): VNQTGHQIKI[Ile655Thr]DFGLARRYKP